The following is an entry in ClinVar:

ClinVar aggregate classification (germline): Uncertain significance (0 of 4 stars; one submission).

Conditions:
KDM3B-related disorder. Also called: KDM3B-related condition.

Submission:

PreventionGenetics, part of Exact Sciences
Classification: Uncertain significance for KDM3B-related condition. Last evaluated: 2024-03-22. Review status: no assertion criteria provided. Collection method: clinical testing. Allele origin: germline.
Comment: The KDM3B c.4409G>A variant is predicted to result in the amino acid substitution p.Cys1470Tyr. To our knowledge, this variant has not been reported in the literature or in a large population database, indicating this variant is rare. At this time, the clinical significance of this variant is uncertain due to the absence of conclusive functional and genetic evidence.

NM_016604.4(KDM3B):c.4409G>A (p.Cys1470Tyr)

Gene: KDM3B (lysine demethylase 3B; plus strand). Cytogenetic location: 5q31.2.
Variant type: single nucleotide variant.
Coding change: c.4409G>A on transcript NM_016604.4 (MANE Select); coding-DNA position 4409, G replaced by A.
Protein change: p.Cys1470Tyr; replaces cysteine 1470 with tyrosine.
Molecular consequence: missense variant.
Genome position (GRCh38, 1-based): chr5:138,425,580, G>A. VCF-style: chr5-138425580-G-A. GRCh37 (hg19) VCF-style: chr5-137761269-G-A.
Other names: short protein forms C1470Y.
Identifiers: ClinVar variation 3353961 (VCV003353961.1).